The following is an entry in ClinVar:

ClinVar aggregate classification (germline): Likely pathogenic (1 of 4 stars; one submission).

Conditions:
Tuberous sclerosis 2 (TSC2). Identifiers: Orphanet 805, MedGen C1860707, MONDO:0013199, OMIM 613254.

gnomAD v4.1: 2 of 1,610,146 alleles (0.00012%); highest among the groups gnomAD compares: Non-Finnish European, 0.00017%; no homozygotes.

Submission:

Labcorp Genetics (formerly Invitae), Labcorp
Classification: Likely pathogenic for Tuberous sclerosis 2. Last evaluated: 2025-12-02. Review status: criteria provided, single submitter. Criteria: Invitae Variant Classification Sherloc (09022015). Collection method: clinical testing. Allele origin: germline.
Comment: This sequence change affects an acceptor splice site in intron 7 of the TSC2 gene. It is expected to disrupt RNA splicing. Variants that disrupt the donor or acceptor splice site typically lead to a loss of protein function (PMID: 16199547), and loss-of-function variants in TSC2 are known to be pathogenic (PMID: 10205261, 17304050). This variant is not present in population databases (gnomAD no frequency). This variant has not been reported in the literature in individuals affected with TSC2-related conditions. Algorithms developed to predict the effect of sequence changes on RNA splicing suggest that this variant may disrupt the consensus splice site. In summary, the currently available evidence indicates that the variant is pathogenic, but additional data are needed to prove that conclusively. Therefore, this variant has been classified as Likely Pathogenic.

Literature cited by the submitters: PubMed 16199547; PubMed 10205261; PubMed 17304050.

NM_000548.5(TSC2):c.649-2A>G

Gene: TSC2 (TSC complex subunit 2; plus strand). Cytogenetic location: 16p13.3.
Variant type: single nucleotide variant.
Coding change: c.649-2A>G on transcript NM_000548.5 (MANE Select); the canonical splice acceptor site of the intron before coding-DNA position 649, A replaced by G.
Molecular consequence: splice acceptor variant. On other transcripts: intron variant (3).
Genome position (GRCh38, 1-based): chr16:2,056,642, A>G. VCF-style: chr16-2056642-A-G. GRCh37 (hg19) VCF-style: chr16-2106643-A-G.
Other names: c.-783-2A>G (NM_001406693.1, NM_001406689.1, NM_001406690.1 and 3 more transcripts); c.739-2A>G (NM_001406667.1, NM_001406668.1); c.49-2A>G (NM_001406680.1, NM_001406683.1, NM_001406687.1 and 6 more transcripts); c.-959-2A>G (NM_001406698.1); c.649-2A>G (NM_001114382.3, NM_001406663.1, NM_001406664.1 and 6 more transcripts); c.-664-2A>G (NM_001406694.1, NM_001406695.1); c.-771-14A>G (NM_001406696.1); c.649-14A>G (NM_001406671.1, NM_001406673.1); and 5 more.
Identifiers: ClinVar variation 4710214 (VCV004710214.1).
Genomic context (GRCh38, chr16:2,056,642, plus strand): 5'-TGTCCTCTCCTGTGGGGAGGAGCTGGGGTAGGACGGGCGTGAGCCGTCTCCCTCTCCACC[A>G]GGTCTCCCTGCAGGTGCTGGACGCCGTGGTCTGCTACAACTGCCTGCCGGCTGAGAGCCT-3'